The following is an entry in ClinVar:

NM_001014987.2(LAT):c.278G>A (p.Arg93Gln)

Gene: LAT (linker for activation of T cells; plus strand). Cytogenetic location: 16p11.2.
Variant type: single nucleotide variant.
Coding change: c.278G>A on transcript NM_001014987.2 (MANE Select); coding-DNA position 278, G replaced by A.
Protein change: p.Arg93Gln; replaces arginine 93 with glutamine.
Molecular consequence: missense variant.
Genome position (GRCh38, 1-based): chr16:28,986,414, G>A. VCF-style: chr16-28986414-G-A. GRCh37 (hg19) VCF-style: chr16-28997735-G-A.
Other names: c.275G>A, p.Arg92Gln (NM_001014988.2); c.386G>A, p.Arg129Gln (NM_001014989.2); c.278G>A, p.Arg93Gln (NM_014387.4); c.386G>A (NM_001014989.1); short protein forms R93Q, R129Q, R92Q.
Identifiers: ClinVar variation 1363478 (VCV001363478.4), dbSNP rs149935445, ClinGen allele CA7989921.

ClinVar aggregate classification (germline): Uncertain significance. Review status: criteria provided, multiple submitters, no conflicts (2 of 4 stars). 2 submissions from 2 submitters: Uncertain significance (2). Last evaluated 2025-08-04.

Allele frequency attached by ClinVar (database versions not stated): gnomAD exomes 0.00011 and 0.00004; ExAC 0.00013; ESP Exome Variant Server 0.00015; gnomAD 0.00018 and 0.00022; TOPMed 0.00029; 1000 Genomes Project 30x 0.00031; 1000 Genomes Project 0.00040.
gnomAD v4.1: 102 of 1,613,886 alleles (0.0063%); highest among the groups gnomAD compares: Admixed American, 0.05%; 1 homozygote.

Submissions (2):

Ambry Genetics
Classification: Uncertain significance. Last evaluated: 2025-08-04. Review status: criteria provided, single submitter. Criteria: Ambry Variant Classification Scheme 2023. Collection method: clinical testing. Allele origin: germline.

Labcorp Genetics (formerly Invitae), Labcorp
Classification: Uncertain significance. Last evaluated: 2022-11-01. Review status: criteria provided, single submitter. Criteria: Invitae Variant Classification Sherloc (09022015). Collection method: clinical testing. Allele origin: germline.
Comment: This sequence change replaces arginine, which is basic and polar, with glutamine, which is neutral and polar, at codon 93 of the LAT protein (p.Arg93Gln). This variant is present in population databases (rs149935445, gnomAD 0.02%). This variant has not been reported in the literature in individuals affected with LAT-related conditions. ClinVar contains an entry for this variant (Variation ID: 1363478). Algorithms developed to predict the effect of missense changes on protein structure and function output the following: SIFT: "Deleterious"; PolyPhen-2: "Benign"; Align-GVGD: "Class C0". The glutamine amino acid residue is found in multiple mammalian species, which suggests that this missense change does not adversely affect protein function. In summary, the available evidence is currently insufficient to determine the role of this variant in disease. Therefore, it has been classified as a Variant of Uncertain Significance.